The following is an entry in ClinVar:

ClinVar aggregate classification (germline): Uncertain significance (1 of 4 stars; one submission).

Allele frequency attached by ClinVar (database versions not stated): ExAC 0.00003.
gnomAD v4.1: 5 of 1,613,948 alleles (0.00031%); highest among the groups gnomAD compares: Non-Finnish European, 0.00042%; no homozygotes.

Submission:

Ambry Genetics
Classification: Uncertain significance. Last evaluated: 2025-05-15. Review status: criteria provided, single submitter. Criteria: Ambry Variant Classification Scheme 2023. Collection method: clinical testing. Allele origin: germline.
Comment: The p.R322I variant (also known as c.965G>T), located in coding exon 7 of the RINT1 gene, results from a G to T substitution at nucleotide position 965. The arginine at codon 322 is replaced by isoleucine, an amino acid with similar properties. This amino acid position is conserved. In addition, this alteration is predicted to be tolerated by in silico analysis. Since supporting evidence is limited at this time, the clinical significance of this alteration remains unclear.

NM_021930.6(RINT1):c.965G>T (p.Arg322Ile)

Gene: RINT1 (RAD50 interactor 1; plus strand). Cytogenetic location: 7q22.3.
Variant type: single nucleotide variant.
Coding change: c.965G>T on transcript NM_021930.6 (MANE Select); coding-DNA position 965, G replaced by T.
Protein change: p.Arg322Ile; replaces arginine 322 with isoleucine.
Molecular consequence: missense variant. On other transcripts: 5 prime UTR variant (1), non-coding transcript variant (1), intron variant (1).
Genome position (GRCh38, 1-based): chr7:105,548,679, G>T. VCF-style: chr7-105548679-G-T. GRCh37 (hg19) VCF-style: chr7-105189126-G-T.
Other names: c.731G>T, p.Arg244Ile (NM_001346599.2); c.-55G>T (NM_001346600.2); c.41G>T, p.Arg14Ile (NM_001346601.2); c.-27-1376G>T (NM_001346603.2); short protein forms R244I, R14I, R322I.
Identifiers: ClinVar variation 1767698 (VCV001767698.3), dbSNP rs755913207, ClinGen allele CA4426566.